The following is an entry in ClinVar:

ClinVar aggregate classification (germline): Pathogenic (1 of 4 stars; one submission).

Conditions:
Junctional epidermolysis bullosa. Identifiers: Orphanet 305, MedGen C0079301, MONDO:0017612.

Submission:

Myriad Genetics, Inc.
Classification: Pathogenic for Junctional epidermolysis bullosa. Last evaluated: 2026-08-01. Review status: criteria provided, single submitter. Criteria: Myriad Autosomal Dominant, Autosomal Recessive and X-Linked Classification Criteria (2023). Collection method: clinical testing. Allele origin: unknown.
Comment: NM_000228.2(LAMB3):c.1012dupG(A338Gfs*7) is expected to be pathogenic in the context of junctional epidermolysis bullosa, LAMB3-related. This variant is predicted to lead to an abnormal or absent protein product due to the creation of a premature termination codon in LAMB3, a gene where loss-of-function variants are known to be pathogenic. Please note: this variant was assessed in the context of healthy population screening.

NM_000228.3(LAMB3):c.1012dup (p.Ala338fs)

Gene: LAMB3 (laminin subunit beta 3; minus strand). Cytogenetic location: 1q32.2.
Variant type: Duplication.
Coding change: c.1012dup on transcript NM_000228.3 (MANE Select); coding-DNA position 1012, one base duplicated (G; older notation c.1012dupG).
Protein change: p.Ala338fs; shifts the reading frame from alanine 338.
Molecular consequence: frameshift variant.
Genome position (GRCh38, 1-based): chr1:209,629,857, C duplicated on the plus strand (G on the coding strand, the reverse complement: LAMB3 is on the minus strand); the first of 5 consecutive C bases (chr1:209,629,857-209,629,861); duplicating any one gives the same sequence. VCF-style (leftmost placement, unchanged base first): chr1-209629856-G-GC. GRCh37 (hg19) VCF-style: chr1-209803201-G-GC.
Other names: c.1012dup, p.Ala338fs (NM_001017402.2, NM_001127641.1); short protein forms A338fs.
Identifiers: ClinVar variation 5016189 (VCV005016189.1).